The following is an entry in ClinVar:

NM_003545.4(H4C5):c.52C>T (p.Arg18Cys)

Genes: H4C5 (H4 clustered histone 5; plus strand), LOC129996027 (ATAC-STARR-seq lymphoblastoid active region 24208; plus strand). Cytogenetic location: 6p22.2.
Variant type: single nucleotide variant.
Coding change: c.52C>T on transcript NM_003545.4 (MANE Select); coding-DNA position 52, C replaced by T.
Protein change: p.Arg18Cys; replaces arginine 18 with cysteine.
Molecular consequence: missense variant.
Genome position (GRCh38, 1-based): chr6:26,204,696, C>T. VCF-style: chr6-26204696-C-T. GRCh37 (hg19) VCF-style: chr6-26204924-C-T.
Other names: short protein forms R18C.
Identifiers: ClinVar variation 1699461 (VCV001699461.3), dbSNP rs776145717, ClinGen allele CA3669552.
Genomic context (GRCh38, chr6:26,204,696, plus strand): 5'-GTGTTGGTCATGTCTGGTCGCGGCAAAGGCGGAAAGGGACTGGGTAAAGGAGGCGCTAAG[C>T]GTCACCGTAAGGTCCTGCGAGATAACATCCAGGGCATTACCAAGCCTGCCATCCGGCGCC-3'
Protein context (NP_003536.1, residues 8-28): GKGLGKGGAK[Arg18Cys]HRKVLRDNIQ

ClinVar aggregate classification (germline): Uncertain significance (1 of 4 stars; one submission).

Conditions:
Neurodevelopmental disorder. Identifiers: MedGen C1535926, MeSH D065886, MONDO:0700092.

Allele frequency attached by ClinVar (database versions not stated): gnomAD exomes below 0.00001; ExAC 0.00001; gnomAD 0.00001.
gnomAD v4.1: 5 of 1,613,628 alleles (0.00031%); highest among the groups gnomAD compares: Non-Finnish European, 0.00034%; no homozygotes.

Submission:

Victorian Clinical Genetics Services, Murdoch Childrens Research Institute
Classification: Uncertain significance for Neurodevelopmental disorder. Last evaluated: 2022-06-24. Review status: criteria provided, single submitter. Criteria: ACMG Guidelines, 2015. Collection method: clinical testing. Allele origin: germline. Inheritance: Autosomal dominant inheritance. Affected: yes.
Comment: Based on the classification scheme VCGS_Germline_v1.3.4, this variant is classified as VUS-3B. Following criteria are met: 0105 - The mechanism of disease for this gene is not clearly established. (I) 0107 - This gene is associated with autosomal dominant disease. (I) 0115 - Variants in this gene are known to have variable expressivity. The syndromic features associated with this gene are variably present even among individuals with the same variant (PMID: 35202563). (I) 0200 - Variant is predicted to result in a missense amino acid change from arginine to cysteine. (I) 0251 - This variant is heterozygous. (I) 0302 - Variant is present in gnomAD (v3) <0.001 for a dominant condition (1 heterozygote, 0 homozygote). However, this variant was present in a subpopulation with less than 5000 alleles in total. (SP) 0501 - Missense variant consistently predicted to be damaging by multiple in silico tools or highly conserved with a major amino acid change. (SP) 0600 - Variant is located in the annotated DNA binding region (DECIPHER). (I) 0705 - No comparable missense variants have previous evidence for pathogenicity. (I) 0807 - This variant has no previous evidence of pathogenicity. (I) 0905 - No published segregation evidence has been identified for this variant. (I) 1007 - No published functional evidence has been identified for this variant. (I) 1208 - Inheritance information for this variant is not currently available in this individual. (I) Legend: (SP) - Supporting pathogenic, (I) - Information, (SB) - Supporting benign

Literature cited by the submitters: PubMed 35202563.